The following is an entry in ClinVar:

NM_001145809.2(MYH14):c.2929G>C (p.Glu977Gln)

Gene: MYH14 (myosin heavy chain 14; plus strand). Cytogenetic location: 19q13.33.
Variant type: single nucleotide variant.
Coding change: c.2929G>C on transcript NM_001145809.2 (MANE Select); coding-DNA position 2929, G replaced by C.
Protein change: p.Glu977Gln; replaces glutamic acid 977 with glutamine.
Molecular consequence: missense variant.
Genome position (GRCh38, 1-based): chr19:50,268,263, G>C. VCF-style: chr19-50268263-G-C. GRCh37 (hg19) VCF-style: chr19-50771520-G-C.
Other names: c.2830G>C, p.Glu944Gln (NM_001077186.2); c.2806G>C, p.Glu936Gln (NM_024729.4); c.2806G>C (NM_024729.3); short protein forms E936Q, E944Q, E977Q.
Identifiers: ClinVar variation 1805908 (VCV001805908.4), dbSNP rs758910308, ClinGen allele CA9593077.

ClinVar aggregate classification (germline): Uncertain significance. Review status: criteria provided, multiple submitters, no conflicts (2 of 4 stars). 3 submissions from 3 submitters: Uncertain significance (3). Last evaluated 2025-08-12.

Conditions:
Peripheral neuropathy-myopathy-hoarseness-hearing loss syndrome. Identifiers: Orphanet 397744, MedGen C3280556, MONDO:0013711, OMIM 614369.
Inborn genetic diseases. Identifiers: MedGen C0950123, MeSH D030342.

Allele frequency attached by ClinVar (database versions not stated): TOPMed below 0.00001; ExAC 0.00004.
gnomAD v4.1: 24 of 1,576,550 alleles (0.0015%); highest among the groups gnomAD compares: Non-Finnish European, 0.0021%; no homozygotes.

Submissions (3):

Ambry Genetics
Classification: Uncertain significance for Inborn genetic diseases. Last evaluated: 2025-08-12. Review status: criteria provided, single submitter. Criteria: Ambry Variant Classification Scheme 2023. Collection method: clinical testing. Allele origin: germline.

Blueprint Genetics
Classification: Uncertain significance. Last evaluated: 2024-02-09. Review status: criteria provided, single submitter. Criteria: ACMG Guidelines, 2015. Collection method: clinical testing. Allele origin: germline.

Victorian Clinical Genetics Services, Murdoch Childrens Research Institute
Classification: Uncertain significance for Peripheral neuropathy-myopathy-hoarseness-hearing loss syndrome. Last evaluated: 2023-07-16. Review status: criteria provided, single submitter. Criteria: ACMG Guidelines, 2015. Collection method: clinical testing. Allele origin: germline. Inheritance: Autosomal dominant inheritance. Affected: yes.
Comment: Based on the classification scheme VCGS_Germline_v1.3.4, this variant is classified as VUS-3B. Following criteria are met: 0103 - Dominant negative is a likely mechanism of disease associated with peripheral neuropathy, myopathy, hoarseness, and hearing loss (MIM#614369). Loss of function is a known mechanism of disease associated with autosomal dominant deafness, 4A (MIM#600652). A single recurring missense variant has been reported for the neuropathy phenotype in several independent families (PMID: 31231018, PMID: 35274842). (I) 0107 - This gene is associated with autosomal dominant disease. (I) 0200 - Variant is predicted to result in a missense amino acid change from glutamic acid to glutamine. (I) 0251 - This variant is heterozygous. (I) 0302 - Variant is present in gnomAD (v2) <0.001 for a dominant condition (2 heterozygotes, 0 homozygotes). (SP) 0502 - Missense variant with conflicting in silico predictions and uninformative conservation. (I) 0600 - Variant is located in the annotated myosin tail 1 domain (DECIPHER). (I) 0705 - No comparable missense variants have previous evidence for pathogenicity. (I) 0807 - This variant has no previous evidence of pathogenicity. (I) 0905 - No published segregation evidence has been identified for this variant. (I) 1007 - No published functional evidence has been identified for this variant. (I) 1208 - Inheritance information for this variant is not currently available in this individual. (I) Legend: (SP) - Supporting pathogenic, (I) - Information, (SB) - Supporting benign

Literature cited by the submitters: PubMed 31231018 (cited by Victorian Clinical Genetics Services, Murdoch Childrens Research Institute); PubMed 35274842 (cited by Victorian Clinical Genetics Services, Murdoch Childrens Research Institute).